The following is an entry in ClinVar:

NM_030773.4(TUBB1):c.582G>T (p.Glu194Asp)

Gene: TUBB1 (tubulin beta 1 class VI; plus strand). Cytogenetic location: 20q13.32.
Variant type: single nucleotide variant.
Coding change: c.582G>T on transcript NM_030773.4 (MANE Select); coding-DNA position 582, G replaced by T.
Protein change: p.Glu194Asp; replaces glutamic acid 194 with aspartic acid.
Molecular consequence: missense variant.
Genome position (GRCh38, 1-based): chr20:59,024,009, G>T. VCF-style: chr20-59024009-G-T. GRCh37 (hg19) VCF-style: chr20-57599064-G-T.
Other names: short protein forms E194D.
Identifiers: ClinVar variation 4753426 (VCV004753426.2).

ClinVar aggregate classification (germline): Conflicting classifications of pathogenicity. Review status: criteria provided, conflicting classifications (1 of 4 stars). 2 submissions from 2 submitters: Uncertain significance (1); Likely benign (1). Last evaluated 2026-02-06.

Conditions:
TUBB1-related disorder. Also called: TUBB1-related condition.

gnomAD v4.1: 76 of 1,614,220 alleles (0.0047%); highest among the groups gnomAD compares: East Asian, 0.17%; no homozygotes.

Submissions (2):

PreventionGenetics, part of Exact Sciences
Classification: Likely benign for TUBB1-related condition. Last evaluated: 2026-02-06. Review status: criteria provided, single submitter. Criteria: ACMG Guidelines, 2015. Collection method: clinical testing. Allele origin: germline.
Comment: This variant is classified as likely benign based on ACMG/AMP sequence variant interpretation guidelines (Richards et al. 2015 PMID: 25741868, with internal and published modifications).

Labcorp Genetics (formerly Invitae), Labcorp
Classification: Uncertain significance. Last evaluated: 2025-10-11. Review status: criteria provided, single submitter. Criteria: Invitae Variant Classification Sherloc (09022015). Collection method: clinical testing. Allele origin: germline.
Comment: This sequence change replaces glutamic acid, which is acidic and polar, with aspartic acid, which is acidic and polar, at codon 194 of the TUBB1 protein (p.Glu194Asp). This variant is present in population databases (rs186106638, gnomAD 0.06%). This missense change has been observed in individual(s) with congenital hypothyroidism (PMID: 40071799). Invitae Evidence Modeling of protein sequence and biophysical properties (such as structural, functional, and spatial information, amino acid conservation, physicochemical variation, residue mobility, and thermodynamic stability) indicates that this missense variant is not expected to disrupt TUBB1 protein function with a negative predictive value of 80%. In summary, the available evidence is currently insufficient to determine the role of this variant in disease. Therefore, it has been classified as a Variant of Uncertain Significance.

Literature cited by the submitters: PubMed 40071799 (cited by Labcorp Genetics (formerly Invitae), Labcorp).